The following is an entry in ClinVar:

ClinVar aggregate classification (germline): Uncertain significance. Review status: criteria provided, multiple submitters, no conflicts (2 of 4 stars). 2 submissions from 2 submitters: Uncertain significance (2). Last evaluated 2025-11-27.

Allele frequency attached by ClinVar (database versions not stated): gnomAD exomes below 0.00001 and 0.00002; ExAC 0.00006; gnomAD 0.00007; TOPMed 0.00008; 1000 Genomes Project 30x 0.00031; 1000 Genomes Project 0.00040.
gnomAD v4.1: 14 of 1,566,048 alleles (0.00089%); highest among the groups gnomAD compares: African/African-American, 0.0096%; no homozygotes.

Submissions (2):

Labcorp Genetics (formerly Invitae), Labcorp
Classification: Uncertain significance. Last evaluated: 2025-11-27. Review status: criteria provided, single submitter. Criteria: Invitae Variant Classification Sherloc (09022015). Collection method: clinical testing. Allele origin: germline.
Comment: This sequence change replaces valine, which is neutral and non-polar, with glycine, which is neutral and non-polar, at codon 103 of the DSCAML1 protein (p.Val103Gly). This variant is present in population databases (rs560881596, gnomAD 0.02%). This variant has not been reported in the literature in individuals affected with DSCAML1-related conditions. ClinVar contains an entry for this variant (Variation ID: 1520671). An algorithm developed to predict the effect of missense changes on protein structure and function (PolyPhen-2) suggests that this variant is likely to be disruptive. In summary, the available evidence is currently insufficient to determine the role of this variant in disease. Therefore, it has been classified as a Variant of Uncertain Significance.

Ambry Genetics
Classification: Uncertain significance. Last evaluated: 2025-08-27. Review status: criteria provided, single submitter. Criteria: Ambry Variant Classification Scheme 2023. Collection method: clinical testing. Allele origin: germline.

NM_020693.4(DSCAML1):c.128T>G (p.Val43Gly)

Gene: DSCAML1 (DS cell adhesion molecule like 1; minus strand). Cytogenetic location: 11q23.3.
Variant type: single nucleotide variant.
Coding change: c.128T>G on transcript NM_020693.4 (MANE Select); coding-DNA position 128, T replaced by G.
Protein change: p.Val43Gly; replaces valine 43 with glycine.
Molecular consequence: missense variant. On other transcripts: 5 prime UTR variant (1).
Genome position (GRCh38, 1-based): chr11:117,780,729, A>C on the plus strand (T>G on the coding strand, the complement: DSCAML1 is on the minus strand). VCF-style: chr11-117780729-A-C. GRCh37 (hg19) VCF-style: chr11-117651444-A-C.
Other names: c.128T>G, p.Val43Gly (NM_001367904.1); c.-281T>G (NM_001367905.1); c.308T>G (NM_020693.2); short protein forms V43G.
Identifiers: ClinVar variation 1520671 (VCV001520671.7), dbSNP rs560881596, ClinGen allele CA6297648.